The following is an entry in ClinVar:

ClinVar aggregate classification (germline): Pathogenic (1 of 4 stars; one submission).

Submission:

Labcorp Genetics (formerly Invitae), Labcorp
Classification: Pathogenic. Last evaluated: 2023-02-04. Review status: criteria provided, single submitter. Criteria: Invitae Variant Classification Sherloc (09022015). Collection method: clinical testing. Allele origin: germline.
Comment: This sequence change creates a premature translational stop signal (p.Ala98Leufs*7) in the TTPA gene. It is expected to result in an absent or disrupted protein product. Loss-of-function variants in TTPA are known to be pathogenic (PMID: 9463307, 26068213). This variant is not present in population databases (gnomAD no frequency). This variant has not been reported in the literature in individuals affected with TTPA-related conditions. For these reasons, this variant has been classified as Pathogenic.

Literature cited by the submitters: PubMed 9463307; PubMed 26068213.

NM_000370.3(TTPA):c.292del (p.Ala98fs)

Gene: TTPA (alpha tocopherol transfer protein; minus strand). Cytogenetic location: 8q12.3.
Variant type: Deletion.
Coding change: c.292del on transcript NM_000370.3 (MANE Select); coding-DNA position 292, one base deleted (G; older notation c.292delG).
Protein change: p.Ala98fs; shifts the reading frame from alanine 98.
Molecular consequence: frameshift variant. On other transcripts: non-coding transcript variant (2), intron variant (2).
Genome position (GRCh38, 1-based): chr8:63,073,001, C deleted on the plus strand (G on the coding strand, the reverse complement: TTPA is on the minus strand); the first of 2 consecutive C bases (chr8:63,073,001-63,073,002); deleting either gives the same sequence. VCF-style (leftmost placement, unchanged base first): chr8-63073000-GC-G. GRCh37 (hg19) VCF-style: chr8-63985559-GC-G.
Other names: c.292del, p.Ala98fs (NM_001413415.1, NM_001413416.1, NM_001413418.1); c.205-11576del (NM_001413417.1); c.205-8685del (NM_001413414.1); short protein forms A98fs.
Identifiers: ClinVar variation 2813619 (VCV002813619.3), dbSNP rs2487165321, ClinGen allele CA2739268809.